The following is an entry in ClinVar:

ClinVar aggregate classification (germline): Pathogenic (1 of 4 stars; one submission).

Conditions:
Complex neurodevelopmental disorder. Identifiers: Orphanet 528084, MedGen C5568766, MONDO:0100038.
Inborn genetic diseases. Identifiers: MedGen C0950123, MeSH D030342.

Submissions (2):

Ambry Genetics
Classification: Pathogenic for Inborn genetic diseases. Last evaluated: 2014-09-24. Review status: criteria provided, single submitter. Criteria: Ambry Variant Classification Scheme 2023. Collection method: clinical testing. Allele origin: germline.
Comment: The c.2645G>A (p.G882E) alteration is located in exon 16 (coding exon 15) of the SCN2A gene. This alteration results from a G to A substitution at nucleotide position 2645, causing the glycine (G) at amino acid position 882 to be replaced by a glutamic acid (E). The alteration is not observed in healthy cohorts:_x000D_ Based on data from the NHLBI Exome Sequencing Project (ESP), the SCN2A c.2645G>A alteration was not observed among 6,502 individuals tested. Allele frequency data for this nucleotide position are not currently available from the 1000 Genomes Project and the alteration is not currently listed in the Database of Single Nucleotide Polymorphisms (dbSNP). The altered nucleotide is conserved throughout evolution:_x000D_ The c.2645G nucleotide is conserved throughout available vertebrate species except the lamprey, which has the nucleotide C at this position._x000D_ The altered amino acid is conserved throughout evolution:_x000D_ The p.G882 amino acid is conserved throughout available vertebrate species, except the opossum and the lamprey. The alteration is predicted deleterious by in silico models:_x000D_ The p.G882E alteration is predicted to be probably damaging by Polyphen and deleterious by SIFT in silico analyses._x000D_ The alteration is predicted not to affect splicing by in silico models:_x000D_ Based on BDGP and ESEfinder splice site in silico tools, this alteration does not have any significant effect on the native acceptor/donor splice site; however, direct evidence is unavailable. Based on the available evidence, this alteration is classified as pathogenic.

Channelopathy-Associated Epilepsy Research Center
No classification provided (evidence only). Condition: Complex neurodevelopmental disorder. Review status: no classification provided. Collection method: literature only. Allele origin: not applicable. Functional consequence: Severe decrease in peak current, Normal voltage dependence of activation, Increase in slope of activation, Moderate hyperpolarizing shift of voltage dependence of fast inactivation, Increase in slope of fast inactivation, Mild-moderate slowing of recovery from fast inactivation, Acceleration of recovery from slow inactivation, Mild slowing of fast inactivation. Not counted in ClinVar's aggregate classification.
ClinVar note: "not provided" was previously submitted as the classification for the variant. However, the classification appeared to be based only on an observation of functional data so it was converted to no classification on 2025-07-30.

Literature cited by the submitters: PubMed 37578743 (cited by Channelopathy-Associated Epilepsy Research Center).

NM_001040142.2(SCN2A):c.2645G>A (p.Gly882Glu)

Gene: SCN2A (sodium voltage-gated channel alpha subunit 2; plus strand). Cytogenetic location: 2q24.3.
Variant type: single nucleotide variant.
Coding change: c.2645G>A on transcript NM_001040142.2 (MANE Select); coding-DNA position 2645, G replaced by A.
Protein change: p.Gly882Glu; replaces glycine 882 with glutamic acid.
Molecular consequence: missense variant.
Genome position (GRCh38, 1-based): chr2:165,344,637, G>A. VCF-style: chr2-165344637-G-A. GRCh37 (hg19) VCF-style: chr2-166201147-G-A.
Other names: c.2645G>A, p.Gly882Glu (NM_001040143.2, NM_001371246.1, NM_001371247.1 and 1 more transcripts); short protein forms G882E.
Identifiers: ClinVar variation 520571 (VCV000520571.9), dbSNP rs1553579305, ClinGen allele CA349013455.